The following is an entry in ClinVar:

ClinVar aggregate classification (germline): Uncertain significance (1 of 4 stars; one submission).

Conditions:
Emery-Dreifuss muscular dystrophy 4, autosomal dominant (EDMD4). Also called: EMERY-DREIFUSS MUSCULAR DYSTROPHY 4 WITH VARIABLE FEATURES. Identifiers: Orphanet 261, MedGen C2751807, MONDO:0013071, OMIM 612998.
Autosomal recessive ataxia, Beauce type. Also called: Spinocerebellar ataxia, autosomal recessive 8; ATAXIA, RECESSIVE, OF BEAUCE; SYNE1-Related Autosomal Recessive Cerebellar Ataxia; SYNE1 Deficiency. Identifiers: Orphanet 88644, MedGen C1853116, MONDO:0012549, OMIM 610743.

Submission:

Labcorp Genetics (formerly Invitae), Labcorp
Classification: Uncertain significance for Emery-Dreifuss muscular dystrophy 4, autosomal dominant; Autosomal recessive ataxia, Beauce type. Last evaluated: 2024-05-09. Review status: criteria provided, single submitter. Criteria: Invitae Variant Classification Sherloc (09022015). Collection method: clinical testing. Allele origin: germline.
Comment: This sequence change replaces threonine, which is neutral and polar, with alanine, which is neutral and non-polar, at codon 5204 of the SYNE1 protein (p.Thr5204Ala). This variant is not present in population databases (gnomAD no frequency). This variant has not been reported in the literature in individuals affected with SYNE1-related conditions. Algorithms developed to predict the effect of missense changes on protein structure and function output the following: SIFT: "Not Available"; PolyPhen-2: "Benign"; Align-GVGD: "Not Available". The alanine amino acid residue is found in multiple mammalian species, which suggests that this missense change does not adversely affect protein function. In summary, the available evidence is currently insufficient to determine the role of this variant in disease. Therefore, it has been classified as a Variant of Uncertain Significance.

NM_182961.4(SYNE1):c.15823A>G (p.Thr5275Ala)

Gene: SYNE1 (spectrin repeat containing nuclear envelope protein 1; minus strand). Cytogenetic location: 6q25.2.
Variant type: single nucleotide variant.
Coding change: c.15823A>G on transcript NM_182961.4 (MANE Select); coding-DNA position 15823, A replaced by G.
Protein change: p.Thr5275Ala; replaces threonine 5275 with alanine.
Molecular consequence: missense variant.
Genome position (GRCh38, 1-based): chr6:152,323,572, T>C on the plus strand (A>G on the coding strand, the complement: SYNE1 is on the minus strand). VCF-style: chr6-152323572-T-C. GRCh37 (hg19) VCF-style: chr6-152644707-T-C.
Other names: c.15610A>G, p.Thr5204Ala (NM_033071.5); short protein forms T5204A, T5275A.
Identifiers: ClinVar variation 3756268 (VCV003756268.2).
Genomic context (GRCh38, chr6:152,323,572, plus strand): 5'-GCATGAGCGGAGGCTCTTCCCCAGGGGTTGGGGCGGCTCCATCCTGGAGCATGCTCAGGG[T>C]TTGCTGCCGCAGCATGCCCAAGGCCGACTGCTGCTGCTCCAGCTCCAGAACGAACGTGTC-3'
Protein context (NP_892006.3, residues 5265-5285): QSALGMLRQQ[Thr5275Ala]LSMLQDGAAP